The following is an entry in ClinVar:

NM_015102.5(NPHP4):c.856C>T (p.Arg286Cys)

Gene: NPHP4 (nephrocystin 4; minus strand). Cytogenetic location: 1p36.31.
Variant type: single nucleotide variant.
Coding change: c.856C>T on transcript NM_015102.5 (MANE Select); coding-DNA position 856, C replaced by T.
Protein change: p.Arg286Cys; replaces arginine 286 with cysteine.
Molecular consequence: missense variant. On other transcripts: 5 prime UTR variant (2), non-coding transcript variant (1).
Genome position (GRCh38, 1-based): chr1:5,948,206, G>A on the plus strand (C>T on the coding strand, the complement: NPHP4 is on the minus strand). VCF-style: chr1-5948206-G-A. GRCh37 (hg19) VCF-style: chr1-6008266-G-A.
Other names: c.-511C>T (NM_001291593.2, NM_001291594.2); short protein forms R286C.
Identifiers: ClinVar variation 498135 (VCV000498135.8), dbSNP rs189511182, ClinGen allele CA554719.

ClinVar aggregate classification (germline): Uncertain significance. Review status: criteria provided, multiple submitters, no conflicts (2 of 4 stars). 2 submissions from 2 submitters: Uncertain significance (2). Last evaluated 2022-07-05.

Conditions:
Nephronophthisis. Also called: Juvenile Nephronophthisis. Identifiers: Orphanet 655, MedGen C0687120, MONDO:0019005, HP:0000090.

Allele frequency attached by ClinVar (database versions not stated): ExAC 0.00004; gnomAD exomes 0.00004 and 0.00006; gnomAD 0.00006; TOPMed 0.00006; 1000 Genomes Project 0.00020; 1000 Genomes Project 30x 0.00031.
gnomAD v4.1: 101 of 1,602,296 alleles (0.0063%); highest among the groups gnomAD compares: East Asian, 0.014%; no homozygotes.

Submissions (2):

Labcorp Genetics (formerly Invitae), Labcorp
Classification: Uncertain significance for Nephronophthisis. Last evaluated: 2022-07-05. Review status: criteria provided, single submitter. Criteria: Invitae Variant Classification Sherloc (09022015). Collection method: clinical testing. Allele origin: germline.
Comment: This sequence change replaces arginine, which is basic and polar, with cysteine, which is neutral and slightly polar, at codon 286 of the NPHP4 protein (p.Arg286Cys). This variant is present in population databases (rs189511182, gnomAD 0.02%). This variant has not been reported in the literature in individuals affected with NPHP4-related conditions. ClinVar contains an entry for this variant (Variation ID: 498135). Algorithms developed to predict the effect of missense changes on protein structure and function are either unavailable or do not agree on the potential impact of this missense change (SIFT: "Deleterious"; PolyPhen-2: "Probably Damaging"; Align-GVGD: "Class C0"). Algorithms developed to predict the effect of sequence changes on RNA splicing suggest that this variant may create or strengthen a splice site. In summary, the available evidence is currently insufficient to determine the role of this variant in disease. Therefore, it has been classified as a Variant of Uncertain Significance.

Eurofins Ntd Llc (ga)
Classification: Uncertain significance. Last evaluated: 2017-10-13. Review status: criteria provided, single submitter. Criteria: EGL Classification Definitions 2015. Collection method: clinical testing. Allele origin: germline. Observed: 2 variant alleles, 2 heterozygotes.